The following is an entry in ClinVar:

NM_000368.5(TSC1):c.2220G>A (p.Leu740=)

Gene: TSC1 (TSC complex subunit 1; minus strand). Cytogenetic location: 9q34.13.
Variant type: single nucleotide variant.
Coding change: c.2220G>A on transcript NM_000368.5 (MANE Select); coding-DNA position 2220, G replaced by A.
Protein change: p.Leu740=; no amino-acid change (leucine 740 retained).
Molecular consequence: synonymous variant.
Genome position (GRCh38, 1-based): chr9:132,902,776, C>T on the plus strand (G>A on the coding strand, the complement: TSC1 is on the minus strand). VCF-style: chr9-132902776-C-T. GRCh37 (hg19) VCF-style: chr9-135778163-C-T.
Other names: c.2217G>A, p.Leu739= (NM_001162426.2); c.2067G>A, p.Leu689= (NM_001162427.2); c.1857G>A, p.Leu619= (NM_001362177.2).
Identifiers: ClinVar variation 746028 (VCV000746028.10), dbSNP rs1588302073, ClinGen allele CA467590640.
Genomic context (GRCh38, chr9:132,902,776, plus strand): 5'-TCTAGCTTGTTCTTTCTGCAGACTAACCTTCCACATCTGGATGTCCTTCTCTTGTAACTT[C>T]AACTGATCTTTCTAGCAGAGACCAGAAATGTCATCATTTTAGCTGTCTTCCAACACAGGC-3'
Protein context (NP_000359.1, residues 730-750): EEHNAAMKDQ[Leu740=]KLQEKDIQMW

ClinVar aggregate classification (germline): Benign/Likely benign. Review status: criteria provided, multiple submitters, no conflicts (2 of 4 stars). 3 submissions from 3 submitters: Benign (1); Likely benign (2). Last evaluated 2025-11-03.

Conditions:
Tuberous sclerosis 1 (TSC1). Identifiers: Orphanet 805, MedGen C1854465, MONDO:0008612, OMIM 191100.
Hereditary cancer-predisposing syndrome. Also called: Tumor predisposition; Hereditary Cancer Syndrome; Neoplastic Syndromes, Hereditary; Hereditary neoplastic syndrome. Identifiers: Orphanet 140162, MedGen C0027672, MeSH D009386, MONDO:0015356.

Submissions (3):

Labcorp Genetics (formerly Invitae), Labcorp
Classification: Likely benign for Tuberous sclerosis 1. Last evaluated: 2025-11-03. Review status: criteria provided, single submitter. Criteria: Invitae Variant Classification Sherloc (09022015). Collection method: clinical testing. Allele origin: germline.

Myriad Genetics, Inc.
Classification: Benign for Tuberous sclerosis 1. Last evaluated: 2025-04-24. Review status: criteria provided, single submitter. Criteria: Myriad Autosomal Dominant, Autosomal Recessive and X-Linked Classification Criteria (2023). Collection method: clinical testing. Allele origin: unknown.
Comment: This variant is considered benign. This variant is a silent/synonymous amino acid change and it is not expected to impact splicing.

Ambry Genetics
Classification: Likely benign for Hereditary cancer-predisposing syndrome. Last evaluated: 2020-01-06. Review status: criteria provided, single submitter. Criteria: Ambry Variant Classification Scheme 2023. Collection method: clinical testing. Allele origin: germline.